The following is an entry in ClinVar:

ClinVar aggregate classification (germline): Uncertain significance. Review status: criteria provided, multiple submitters, no conflicts (2 of 4 stars). 2 submissions from 2 submitters: Uncertain significance (2). Last evaluated 2023-09-29.

Conditions:
Inborn genetic diseases. Identifiers: MedGen C0950123, MeSH D030342.

Allele frequency attached by ClinVar (database versions not stated): ExAC 0.00001; gnomAD exomes 0.00001; gnomAD 0.00002; TOPMed 0.00005.

Submissions (2):

Ambry Genetics
Classification: Uncertain significance for Inborn genetic diseases. Last evaluated: 2023-09-29. Review status: criteria provided, single submitter. Criteria: Ambry Variant Classification Scheme 2023. Collection method: clinical testing. Allele origin: germline.

Labcorp Genetics (formerly Invitae), Labcorp
Classification: Uncertain significance. Last evaluated: 2022-07-27. Review status: criteria provided, single submitter. Criteria: Invitae Variant Classification Sherloc (09022015). Collection method: clinical testing. Allele origin: germline.
Comment: This sequence change replaces alanine, which is neutral and non-polar, with threonine, which is neutral and polar, at codon 61 of the NPHS2 protein (p.Ala61Thr). This variant is present in population databases (rs757457347, gnomAD 0.003%). This variant has not been reported in the literature in individuals affected with NPHS2-related conditions. Advanced modeling of protein sequence and biophysical properties (such as structural, functional, and spatial information, amino acid conservation, physicochemical variation, residue mobility, and thermodynamic stability) performed at Invitae indicates that this missense variant is not expected to disrupt NPHS2 protein function. In summary, the available evidence is currently insufficient to determine the role of this variant in disease. Therefore, it has been classified as a Variant of Uncertain Significance.

NM_014625.4(NPHS2):c.181G>A (p.Ala61Thr)

Gene: NPHS2 (NPHS2 stomatin family member, podocin; minus strand). Cytogenetic location: 1q25.2.
Variant type: single nucleotide variant.
Coding change: c.181G>A on transcript NM_014625.4 (MANE Select); coding-DNA position 181, G replaced by A.
Protein change: p.Ala61Thr; replaces alanine 61 with threonine.
Molecular consequence: missense variant.
Genome position (GRCh38, 1-based): chr1:179,575,684, C>T on the plus strand (G>A on the coding strand, the complement: NPHS2 is on the minus strand). VCF-style: chr1-179575684-C-T. GRCh37 (hg19) VCF-style: chr1-179544819-C-T.
Other names: c.181G>A, p.Ala61Thr (NM_001297575.2); c.181G>A (NM_014625.2); short protein forms A61T.
Identifiers: ClinVar variation 2202083 (VCV002202083.2), dbSNP rs757457347, ClinGen allele CA1267301.
Genomic context (GRCh38, chr1:179,575,684, plus strand): 5'-CCACCTCGGTGCCCTCCTCGCCGGAGCCTCGGACCTCATCCACGTCCACCACCGTGGCGG[C>T]GGGCGCTCGGGGCTCCCCCGGGGTCCCCGCCCGTCCGGAGCCCGACGGCTCGGGCCCAGC-3'
Protein context (NP_055440.1, residues 51-71): AGTPGEPRAP[Ala61Thr]ATVVDVDEVR